The following is an entry in ClinVar:

ClinVar aggregate classification (germline): Uncertain significance. Review status: criteria provided, multiple submitters, no conflicts (2 of 4 stars). 2 submissions from 2 submitters: Uncertain significance (2). Last evaluated 2026-06-22.

Conditions:
PLXNA3-related disorder. Also called: PLXNA3-related condition.

Allele frequency attached by ClinVar (database versions not stated): gnomAD exomes below 0.00001; TOPMed below 0.00001; ExAC 0.00001.
gnomAD v4.1: 1 of 1,211,345 alleles (0.000083%); highest among the groups gnomAD compares: African/African-American, 0.0017%; no homozygotes.

Submissions (2):

PreventionGenetics, part of Exact Sciences
Classification: Uncertain significance for PLXNA3-related condition. Last evaluated: 2026-06-22. Review status: criteria provided, single submitter. Criteria: ACMG Guidelines, 2015. Collection method: clinical testing. Allele origin: germline.
Comment: The PLXNA3 c.4910A>G variant is predicted to result in the amino acid substitution p.His1637Arg. To our knowledge, this variant has not been reported in the literature. This variant is reported in 0.0076% of alleles in individuals of African descent in gnomAD. At this time, the clinical significance of this variant is uncertain due to the absence of conclusive functional and genetic evidence.

CeGaT Center for Human Genetics Tuebingen
Classification: Uncertain significance. Last evaluated: 2023-07-01. Review status: criteria provided, single submitter. Criteria: CeGaT Center For Human Genetics Tuebingen Variant Classification Criteria Version 2. Collection method: clinical testing. Allele origin: germline. Affected: yes. Observed: 1 variant allele.

NM_017514.5(PLXNA3):c.4910A>G (p.His1637Arg)

Gene: PLXNA3 (plexin A3; plus strand). Cytogenetic location: Xq28.
Variant type: single nucleotide variant.
Coding change: c.4910A>G on transcript NM_017514.5 (MANE Select); coding-DNA position 4910, A replaced by G.
Protein change: p.His1637Arg; replaces histidine 1637 with arginine.
Molecular consequence: missense variant.
Genome position (GRCh38, 1-based): chrX:154,470,091, A>G. VCF-style: chrX-154470091-A-G. GRCh37 (hg19) VCF-style: chrX-153698434-A-G.
Other names: short protein forms H1637R.
Identifiers: ClinVar variation 2661845 (VCV002661845.25), dbSNP rs782399274, ClinGen allele CA10564998.
Genomic context (GRCh38, chrX:154,470,091, plus strand): 5'-TGATTACGCCTGACCAGGAGACAGGCACCAAATTGTGGCACCTGGTGAAAAACCACGACC[A>G]TGCCGACCATCGCGAGGGGGACCGTGGCAGCAAGATGGTCTCCGAGATCTACCTGACACG-3'
Protein context (NP_059984.3, residues 1627-1647): KLWHLVKNHD[His1637Arg]ADHREGDRGS